The following is an entry in ClinVar:

NM_018384.5(GIMAP5):c.741C>A (p.Ala247=)

Genes: GIMAP1-GIMAP5 (GIMAP1-GIMAP5 readthrough; plus strand), GIMAP5 (GTPase, IMAP family member 5; plus strand). Cytogenetic location: 7q36.1.
Variant type: single nucleotide variant.
Coding change: c.741C>A on transcript NM_018384.5 (MANE Select); coding-DNA position 741, C replaced by A.
Protein change: p.Ala247=; no amino-acid change (alanine 247 retained).
Molecular consequence: synonymous variant.
Genome position (GRCh38, 1-based): chr7:150,742,880, C>A. VCF-style: chr7-150742880-C-A. GRCh37 (hg19) VCF-style: chr7-150439968-C-A.
Other names: c.1353C>A, p.Ala451= (NM_001199577.2); c.969C>A, p.Ala323= (NM_001303630.2).
Identifiers: ClinVar variation 2658160 (VCV002658160.24), dbSNP rs74162072, ClinGen allele CA4565078.
Genomic context (GRCh38, chr7:150,742,880, plus strand): 5'-CCAGCTGCTCCAAAGAACTGGAGCTGGGGCCTGCCAGGAAGACTACAGGCAGTACCAGGC[C>A]AAAGTGGAATGGCAGGTGGAGAAGCACAAGCAAGAGCTGAGGGAGAACGAGAGTAACTGG-3'
Protein context (NP_060854.2, residues 237-257): ACQEDYRQYQ[Ala247=]KVEWQVEKHK

ClinVar aggregate classification (germline): Likely benign (1 of 4 stars; one submission).

Allele frequency attached by ClinVar (database versions not stated): gnomAD 0.00003; ExAC 0.00006.

Submission:

CeGaT Center for Human Genetics Tuebingen
Classification: Likely benign. Last evaluated: 2022-06-01. Review status: criteria provided, single submitter. Criteria: CeGaT Center For Human Genetics Tuebingen Variant Classification Criteria Version 2. Collection method: clinical testing. Allele origin: germline. Affected: yes. Observed: 1 variant allele.
Comment: GIMAP1-GIMAP5: BP4, BP7; GIMAP5: BP4, BP7